The following is an entry in ClinVar:

ClinVar aggregate classification (germline): Likely benign (1 of 4 stars; one submission).

Submission:

CeGaT Center for Human Genetics Tuebingen
Classification: Likely benign. Last evaluated: 2026-02-01. Review status: criteria provided, single submitter. Criteria: CeGaT Center For Human Genetics Tuebingen Variant Classification Criteria Version 2. Collection method: clinical testing. Allele origin: germline. Affected: yes. Observed: 1 variant allele.
Comment: ITGA7: PM2:Supporting, BP4, BP7

NM_002206.3(ITGA7):c.3030C>T (p.Asn1010=)

Gene: ITGA7 (integrin subunit alpha 7; minus strand). Cytogenetic location: 12q13.2.
Variant type: single nucleotide variant.
Coding change: c.3030C>T on transcript NM_002206.3 (MANE Select); coding-DNA position 3030, C replaced by T.
Protein change: p.Asn1010=; no amino-acid change (asparagine 1010 retained).
Molecular consequence: synonymous variant.
Genome position (GRCh38, 1-based): chr12:55,688,229, G>A on the plus strand (C>T on the coding strand, the complement: ITGA7 is on the minus strand). VCF-style: chr12-55688229-G-A. GRCh37 (hg19) VCF-style: chr12-56082013-G-A.
Other names: c.3042C>T, p.Asn1014= (NM_001144996.2); c.2751C>T, p.Asn917= (NM_001144997.2); c.2703C>T, p.Asn901= (NM_001367993.1); c.1686C>T, p.Asn562= (NM_001367994.1); c.3012C>T, p.Asn1004= (NM_001374465.1); c.3162C>T, p.Asn1054= (NM_001410977.1); c.3024C>T, p.Asn1008= (NM_001414029.1); c.2955C>T, p.Asn985= (NM_001414030.1); and 5 more.
Identifiers: ClinVar variation 4823214 (VCV004823214.4).